The following is an entry in ClinVar:

ClinVar aggregate classification (germline): Uncertain significance (1 of 4 stars; one submission).

Submission:

CeGaT Center for Human Genetics Tuebingen
Classification: Uncertain significance. Last evaluated: 2026-01-01. Review status: criteria provided, single submitter. Criteria: CeGaT Center For Human Genetics Tuebingen Variant Classification Criteria Version 2. Collection method: clinical testing. Allele origin: germline. Affected: yes. Observed: 1 variant allele.
Comment: ADGRV1: PM2

NM_032119.4(ADGRV1):c.123T>A (p.Phe41Leu)

Gene: ADGRV1 (adhesion G protein-coupled receptor V1; plus strand). Cytogenetic location: 5q14.3.
Variant type: single nucleotide variant.
Coding change: c.123T>A on transcript NM_032119.4 (MANE Select); coding-DNA position 123, T replaced by A.
Protein change: p.Phe41Leu; replaces phenylalanine 41 with leucine.
Molecular consequence: missense variant. On other transcripts: non-coding transcript variant (1).
Genome position (GRCh38, 1-based): chr5:90,614,935, T>A. VCF-style: chr5-90614935-T-A. GRCh37 (hg19) VCF-style: chr5-89910752-T-A.
Other names: short protein forms F41L.
Identifiers: ClinVar variation 4822847 (VCV004822847.4).